The following is an entry in ClinVar:

ClinVar aggregate classification (germline): Uncertain significance (1 of 4 stars; one submission).

Conditions:
Familial thoracic aortic aneurysm and aortic dissection (TAAD). Also called: Thoracic aortic aneurysms and dissections. Identifiers: Orphanet 91387, MedGen C4707243, MONDO:0019625.

Submission:

Labcorp Genetics (formerly Invitae), Labcorp
Classification: Uncertain significance for Familial thoracic aortic aneurysm and aortic dissection. Last evaluated: 2025-12-27. Review status: criteria provided, single submitter. Criteria: Invitae Variant Classification Sherloc (09022015). Collection method: clinical testing. Allele origin: germline.
Comment: This sequence change replaces lysine, which is basic and polar, with glutamic acid, which is acidic and polar, at codon 81 of the MAT2A protein (p.Lys81Glu). This variant is not present in population databases (gnomAD no frequency). This variant has not been reported in the literature in individuals affected with MAT2A-related conditions. Invitae Evidence Modeling of protein sequence and biophysical properties (such as structural, functional, and spatial information, amino acid conservation, physicochemical variation, residue mobility, and thermodynamic stability) indicates that this missense variant is not expected to disrupt MAT2A protein function with a negative predictive value of 80%. In summary, the available evidence is currently insufficient to determine the role of this variant in disease. Therefore, it has been classified as a Variant of Uncertain Significance.

NM_005911.6(MAT2A):c.241A>G (p.Lys81Glu)

Genes: GGCX (gamma-glutamyl carboxylase; minus strand), MAT2A (methionine adenosyltransferase 2A; plus strand). Cytogenetic location: 2p11.2.
Variant type: single nucleotide variant.
Coding change: c.241A>G on transcript NM_005911.6 (MANE Select); coding-DNA position 241, A replaced by G.
Protein change: p.Lys81Glu; replaces lysine 81 with glutamic acid.
Molecular consequence: missense variant.
Genome position (GRCh38, 1-based): chr2:85,541,326, A>G. VCF-style: chr2-85541326-A-G. GRCh37 (hg19) VCF-style: chr2-85768449-A-G.
Other names: short protein forms K81E.
Identifiers: ClinVar variation 4807448 (VCV004807448.1).
Genomic context (GRCh38, chr2:85,541,326, plus strand): 5'-AAAACTGGAATGATCCTTCTTGCTGGGGAAATTACATCCAGAGCTGCTGTTGACTACCAG[A>G]AAGTGGTTCGTGAAGCTGTTAAACACATTGGATATGATGATTCTTCCAAAGGTGTGTTTT-3'
Protein context (NP_005902.1, residues 71-91): ITSRAAVDYQ[Lys81Glu]VVREAVKHIG